The following is an entry in ClinVar:

NM_002225.5(IVD):c.1066del

Gene: IVD (isovaleryl-CoA dehydrogenase; plus strand). Cytogenetic location: 15q15.1.
Variant type: Deletion.
Coding change: c.1066del on transcript NM_002225.5 (MANE Select); coding-DNA position 1066, one base deleted (G; older notation c.1066delG).
Genome position (GRCh38, 1-based): chr15:40,416,290, G deleted; the last of 2 consecutive G bases (chr15:40,416,289-40,416,290); deleting either gives the same sequence. VCF-style (leftmost placement, unchanged base first): chr15-40416288-AG-A. GRCh37 (hg19) VCF-style: chr15-40708487-AG-A.
Other names: c.1075del (NM_002225.3).
Identifiers: ClinVar variation 2676196 (VCV002676196.2), dbSNP rs2542759702, ClinGen allele CA2695197214.

ClinVar aggregate classification (germline): Likely pathogenic. Review status: criteria provided, multiple submitters, no conflicts (2 of 4 stars). 2 submissions from 2 submitters: Likely pathogenic (2). Last evaluated 2025-03-08.

Conditions:
Isovaleryl-CoA dehydrogenase deficiency (IVA). Also called: ISOVALERIC ACID CoA DEHYDROGENASE DEFICIENCY; Isovaleric acidemia; IVD DEFICIENCY; Classic Isovaleric Acidemia. Identifiers: Orphanet 33, MedGen C0268575, MONDO:0009475, OMIM 243500.

Submissions (2):

Natera, Inc.
Classification: Likely pathogenic for Isovaleryl-coa dehydrogenase deficiency. Last evaluated: 2025-03-08. Review status: criteria provided, single submitter. Criteria: Natera Variant Classification Schema (03/2026). Collection method: clinical testing. Allele origin: germline.
Comment: The c.1075del variant in IVD is a frameshift variant predicted to shift the reading frame beginning at codon 359 and leads to a stop codon 5 codons downstream. This variant is expected to result in nonsense mediated decay, truncation, or a dysfunctional protein product. This variant is rare in the general population with a frequency below the threshold expected for the associated phenotype(s). Given the available evidence, this variant is classified as Likely Pathogenic.

Baylor Genetics
Classification: Likely pathogenic for Isovaleryl-CoA dehydrogenase deficiency. Last evaluated: 2023-04-14. Review status: criteria provided, single submitter. Criteria: ACMG Guidelines, 2015. Collection method: clinical testing. Allele origin: unknown.